The following is an entry in ClinVar:

NM_001270974.2(HYDIN):c.2075+34G>A

Gene: HYDIN (HYDIN axonemal central pair apparatus protein; minus strand). Cytogenetic location: 16q22.2.
Variant type: single nucleotide variant.
Coding change: c.2075+34G>A on transcript NM_001270974.2 (MANE Select); 34 bases into the intron after coding-DNA position 2075, G replaced by A.
Molecular consequence: intron variant.
Genome position (GRCh38, 1-based): chr16:71,067,256, C>T on the plus strand (G>A on the coding strand, the complement: HYDIN is on the minus strand). VCF-style: chr16-71067256-C-T. GRCh37 (hg19) VCF-style: chr16-71101159-C-T.
Other names: c.2075+34G>A (NM_017558.5); c.2126+34G>A (NM_001198543.1); c.2156+34G>A (NM_001198542.1).
Identifiers: ClinVar variation 4083735 (VCV004083735.8).

ClinVar aggregate classification (germline): Likely benign (1 of 4 stars; one submission).

gnomAD v4.1: 54 of 1,389,844 alleles (0.0039%); highest among the groups gnomAD compares: Middle Eastern, 0.04%; no homozygotes.

Submission:

CeGaT Center for Human Genetics Tuebingen
Classification: Likely benign. Last evaluated: 2025-06-01. Review status: criteria provided, single submitter. Criteria: CeGaT Center For Human Genetics Tuebingen Variant Classification Criteria Version 2. Collection method: clinical testing. Allele origin: germline. Affected: yes. Observed: 1 variant allele.
Comment: HYDIN: BP4, BP7